The following is an entry in ClinVar:

NM_001376.5(DYNC1H1):c.1610A>G (p.Asp537Gly)

Gene: DYNC1H1 (dynein cytoplasmic 1 heavy chain 1; plus strand). Cytogenetic location: 14q32.31.
Variant type: single nucleotide variant.
Coding change: c.1610A>G on transcript NM_001376.5 (MANE Select); coding-DNA position 1610, A replaced by G.
Protein change: p.Asp537Gly; replaces aspartic acid 537 with glycine.
Molecular consequence: missense variant.
Genome position (GRCh38, 1-based): chr14:101,985,835, A>G. VCF-style: chr14-101985835-A-G. GRCh37 (hg19) VCF-style: chr14-102452172-A-G.
Other names: short protein forms D537G.
Identifiers: ClinVar variation 2700495 (VCV002700495.3), dbSNP rs2503693355, ClinGen allele CA391018710.
Genomic context (GRCh38, chr14:101,985,835, plus strand): 5'-CAAATGCCATTGAGGAAGTAAACCTTGCTTATGAGAACGTCAAGGAAGTGGATGGACTGG[A>G]TGTTTCCAAAGAGGGCACGGAAGCCTGGGAGGCTGCTATGAAGAGGTACGATGAGAGGAT-3'
Protein context (NP_001367.2, residues 527-547): YENVKEVDGL[Asp537Gly]VSKEGTEAWE

ClinVar aggregate classification (germline): Uncertain significance (1 of 4 stars; one submission).

Conditions:
Charcot-Marie-Tooth disease axonal type 2O. Also called: CHARCOT-MARIE-TOOTH NEUROPATHY, AXONAL, TYPE 2O; CHARCOT-MARIE-TOOTH DISEASE, AXONAL, AUTOSOMAL DOMINANT, TYPE 2O; Charcot-Marie-Tooth Neuropathy Type 2O; Charcot-Marie-Tooth disease, axonal, type 20. Identifiers: Orphanet 284232, MedGen C3280220, MONDO:0013644, OMIM 614228.

Submission:

Labcorp Genetics (formerly Invitae), Labcorp
Classification: Uncertain significance for Charcot-Marie-Tooth disease axonal type 2O. Last evaluated: 2023-12-02. Review status: criteria provided, single submitter. Criteria: Invitae Variant Classification Sherloc (09022015). Collection method: clinical testing. Allele origin: germline.
Comment: This sequence change replaces aspartic acid, which is acidic and polar, with glycine, which is neutral and non-polar, at codon 537 of the DYNC1H1 protein (p.Asp537Gly). This variant is not present in population databases (gnomAD no frequency). This variant has not been reported in the literature in individuals affected with DYNC1H1-related conditions. Advanced modeling of protein sequence and biophysical properties (such as structural, functional, and spatial information, amino acid conservation, physicochemical variation, residue mobility, and thermodynamic stability) performed at Invitae indicates that this missense variant is expected to disrupt DYNC1H1 protein function with a positive predictive value of 95%. In summary, the available evidence is currently insufficient to determine the role of this variant in disease. Therefore, it has been classified as a Variant of Uncertain Significance.